The following is an entry in ClinVar:

NM_145038.5(DRC1):c.1009C>T (p.Gln337Ter)

Gene: DRC1 (dynein regulatory complex subunit 1; plus strand). Cytogenetic location: 2p23.3.
Variant type: single nucleotide variant.
Coding change: c.1009C>T on transcript NM_145038.5 (MANE Select); coding-DNA position 1009, C replaced by T.
Protein change: p.Gln337Ter; replaces glutamine 337 with a stop codon.
Molecular consequence: nonsense.
Genome position (GRCh38, 1-based): chr2:26,440,498, C>T. VCF-style: chr2-26440498-C-T. GRCh37 (hg19) VCF-style: chr2-26663366-C-T.
Other names: short protein forms Q337*.
Identifiers: ClinVar variation 2504575 (VCV002504575.4), dbSNP rs1435637520, ClinGen allele CA346107187.

ClinVar aggregate classification (germline): Pathogenic/Likely pathogenic. Review status: criteria provided, multiple submitters, no conflicts (2 of 4 stars). 2 submissions from 2 submitters: Pathogenic (1); Likely pathogenic (1). Last evaluated 2023-12-15.

Conditions:
Primary ciliary dyskinesia. Also called: Ciliary dyskinesia. Identifiers: Orphanet 244, MedGen C0008780, MONDO:0016575, HP:0012265.
Primary ciliary dyskinesia 21. Also called: CILIARY DYSKINESIA, PRIMARY, 21, WITHOUT SITUS INVERSUS. Identifiers: Orphanet 244, MedGen C3809087, MONDO:0014123, OMIM 615294.

gnomAD v4.1: 1 of 1,610,966 alleles (0.000062%); highest among the groups gnomAD compares: Non-Finnish European, 0.000085%; no homozygotes.

Submissions (2):

Labcorp Genetics (formerly Invitae), Labcorp
Classification: Pathogenic for Primary ciliary dyskinesia. Last evaluated: 2023-12-15. Review status: criteria provided, single submitter. Criteria: Invitae Variant Classification Sherloc (09022015). Collection method: clinical testing. Allele origin: germline.
Comment: This sequence change creates a premature translational stop signal (p.Gln337*) in the DRC1 gene. It is expected to result in an absent or disrupted protein product. Loss-of-function variants in DRC1 are known to be pathogenic (PMID: 23354437, 31960620). This variant is not present in population databases (gnomAD no frequency). This variant has not been reported in the literature in individuals affected with DRC1-related conditions. ClinVar contains an entry for this variant (Variation ID: 2504575). For these reasons, this variant has been classified as Pathogenic.

Department of Human Genetics, Hannover Medical School
Classification: Likely pathogenic for Primary ciliary dyskinesia 21. Last evaluated: 2023-06-08. Review status: criteria provided, single submitter. Criteria: ACMG Guidelines, 2015. Collection method: clinical testing. Allele origin: germline. Inheritance: Autosomal recessive inheritance. Affected: yes.
Comment: This alteration leads to a premature stop signal, most likely resulting in degradation of the formed mRNA via nonsense-mediated mRNA decay (NMD) and/or expression of a truncated protein. The above variant is currently not known in the LOVD shared and ClinVar databases or in the literature. The variant has not yet been detected in the normal population (population database gnomAD).

Literature cited by the submitters: PubMed 23354437 (cited by Labcorp Genetics (formerly Invitae), Labcorp); PubMed 31960620 (cited by Labcorp Genetics (formerly Invitae), Labcorp).